The following is an entry in ClinVar:

NM_001146.5(ANGPT1):c.654C>G (p.Asn218Lys)

Gene: ANGPT1 (angiopoietin 1; minus strand). Cytogenetic location: 8q23.1.
Variant type: single nucleotide variant.
Coding change: c.654C>G on transcript NM_001146.5 (MANE Select); coding-DNA position 654, C replaced by G.
Protein change: p.Asn218Lys; replaces asparagine 218 with lysine.
Molecular consequence: missense variant.
Genome position (GRCh38, 1-based): chr8:107,322,050, G>C on the plus strand (C>G on the coding strand, the complement: ANGPT1 is on the minus strand). VCF-style: chr8-107322050-G-C. GRCh37 (hg19) VCF-style: chr8-108334278-G-C.
Other names: c.654C>G, p.Asn218Lys (NM_001199859.3); c.54C>G, p.Asn18Lys (NM_001314051.2); short protein forms N218K, N18K.
Identifiers: ClinVar variation 4780687 (VCV004780687.1).

ClinVar aggregate classification (germline): Uncertain significance (1 of 4 stars; one submission).

gnomAD v4.1: 2 of 1,613,850 alleles (0.00012%); highest among the groups gnomAD compares: Non-Finnish European, 0.00017%; no homozygotes.

Submission:

Labcorp Genetics (formerly Invitae), Labcorp
Classification: Uncertain significance. Last evaluated: 2025-07-04. Review status: criteria provided, single submitter. Criteria: Invitae Variant Classification Sherloc (09022015). Collection method: clinical testing. Allele origin: germline.
Comment: This sequence change replaces asparagine, which is neutral and polar, with lysine, which is basic and polar, at codon 218 of the ANGPT1 protein (p.Asn218Lys). This variant is present in population databases (rs780729451, gnomAD 0.003%). This variant has not been reported in the literature in individuals affected with ANGPT1-related conditions. An algorithm developed to predict the effect of missense changes on protein structure and function (PolyPhen-2) suggests that this variant is likely to be tolerated. In summary, the available evidence is currently insufficient to determine the role of this variant in disease. Therefore, it has been classified as a Variant of Uncertain Significance.